The following is an entry in ClinVar:

ClinVar aggregate classification (germline): Uncertain significance (1 of 4 stars; one submission).

Conditions:
Nemaline myopathy 2 (NEM2). Also called: Nemaline myopathy 2, autosomal recessive. Identifiers: MedGen C1850569, MONDO:0009725, OMIM 256030.

Allele frequency attached by ClinVar (database versions not stated): gnomAD exomes below 0.00001.
gnomAD v4.1: 1 of 1,598,390 alleles (0.000063%); highest among the groups gnomAD compares: Admixed American, 0.0017%; no homozygotes.

Submission:

Labcorp Genetics (formerly Invitae), Labcorp
Classification: Uncertain significance for Nemaline myopathy 2. Last evaluated: 2021-11-16. Review status: criteria provided, single submitter. Criteria: Invitae Variant Classification Sherloc (09022015). Collection method: clinical testing. Allele origin: germline.
Comment: This sequence change replaces glycine, which is neutral and non-polar, with aspartic acid, which is acidic and polar, at codon 6339 of the NEB protein (p.Gly6339Asp). This variant is not present in population databases (gnomAD no frequency). This variant has not been reported in the literature in individuals affected with NEB-related conditions. Algorithms developed to predict the effect of missense changes on protein structure and function are either unavailable or do not agree on the potential impact of this missense change (SIFT: "Deleterious"; PolyPhen-2: "Not Available"; Align-GVGD: "Class C0"). In summary, the available evidence is currently insufficient to determine the role of this variant in disease. Therefore, it has been classified as a Variant of Uncertain Significance.

NM_001164508.2(NEB):c.19016G>A (p.Gly6339Asp)

Gene: NEB (nebulin; minus strand). Cytogenetic location: 2q23.3.
Variant type: single nucleotide variant.
Coding change: c.19016G>A on transcript NM_001164508.2 (MANE Select); coding-DNA position 19016, G replaced by A.
Protein change: p.Gly6339Asp; replaces glycine 6339 with aspartic acid.
Molecular consequence: missense variant.
Genome position (GRCh38, 1-based): chr2:151,561,293, C>T on the plus strand (G>A on the coding strand, the complement: NEB is on the minus strand). VCF-style: chr2-151561293-C-T. GRCh37 (hg19) VCF-style: chr2-152417807-C-T.
Other names: c.19016G>A, p.Gly6339Asp (NM_001164507.2, NM_001271208.2); c.13913G>A, p.Gly4638Asp (NM_004543.5); short protein forms G4638D, G6339D.
Identifiers: ClinVar variation 1896714 (VCV001896714.2), dbSNP rs2552189485, ClinGen allele CA348795639.